The following is an entry in ClinVar:

ClinVar aggregate classification (germline): Pathogenic/Likely pathogenic. Review status: criteria provided, multiple submitters, no conflicts (2 of 4 stars). 3 submissions from 3 submitters: Pathogenic (1); Likely pathogenic (1). 1 of the submissions does not count toward it. Last evaluated 2025-01-17.

Conditions:
Ehlers-Danlos syndrome, classic type, 1 (EDSCL1). Also called: Ehlers-Danlos Syndrome, Classic Type, COL5A1-Related; EDS I; Ehlers-Danlos syndrome, type 1; EHLERS-DANLOS SYNDROME, GRAVIS TYPE; EHLERS-DANLOS SYNDROME, SEVERE CLASSIC TYPE. Identifiers: MedGen C0268335, MONDO:0019567, OMIM 130000.
Familial thoracic aortic aneurysm and aortic dissection (TAAD). Also called: Thoracic aortic aneurysms and dissections. Identifiers: Orphanet 91387, MedGen C4707243, MONDO:0019625.

Submissions (3):

Ambry Genetics
Classification: Likely pathogenic for Familial thoracic aortic aneurysm and aortic dissection. Last evaluated: 2025-01-17. Review status: criteria provided, single submitter. Criteria: Ambry Variant Classification Scheme 2023. Collection method: clinical testing. Allele origin: germline.
Comment: The c.5370+3_5370+6delGAGT intronic variant begins 3 nucleotide after coding exon 65 in the COL5A1 gene. This variant results from a deletion of 4 nucleotides at positions c.5370+3 to c.5370+6. This variant was identified in one or more individuals with features consistent with COL5A1-related classic Ehlers-Danlos syndrome and segregated with disease in at least one family (Wenstrup RJ et al. Hum. Mol. Genet. 1996 Nov;5(11):1733-6). RNA studies demonstrated that this alteration results in abnormal splicing (Wenstrup RJ et al. Hum. Mol. Genet. 1996 Nov;5(11):1733-6). This nucleotide region is conserved in available vertebrate species. In silico splice site analysis predicts that this alteration will weaken the native splice donor site. This variant is considered to be rare based on population cohorts in the Genome Aggregation Database (gnomAD). Based on the majority of available evidence to date, this variant is likely to be pathogenic.

Labcorp Genetics (formerly Invitae), Labcorp
Classification: Pathogenic for Ehlers-Danlos syndrome, classic type, 1. Last evaluated: 2021-11-02. Review status: criteria provided, single submitter. Criteria: Invitae Variant Classification Sherloc (09022015). Collection method: clinical testing. Allele origin: germline.
Comment: Variants that disrupt the consensus splice site are a relatively common cause of aberrant splicing (PMID: 17576681, 9536098). Studies have shown that this variant results in skipping of exon 65, but is expected to preserve the integrity of the reading-frame (PMID: 8923000). This variant is not present in population databases (gnomAD no frequency). This variant has been observed in individuals with Ehlers-Danlos syndrome, classical type (PMID: 8923000; Invitae). It has also been observed to segregate with disease in related individuals. ClinVar contains an entry for this variant (Variation ID: 17184). This sequence change falls in intron 65 of the COL5A1 gene. It does not directly change the encoded amino acid sequence of the COL5A1 protein. RNA analysis indicates that this variant induces altered splicing and likely results in a shortened protein product. For these reasons, this variant has been classified as Pathogenic.

OMIM
Classification: Pathogenic for EHLERS-DANLOS SYNDROME, CLASSIC TYPE, 1. Last evaluated: 1996-11-01. Review status: no assertion criteria provided. Collection method: literature only. Allele origin: germline. Not counted in ClinVar's aggregate classification.

Literature cited by the submitters: PubMed 17576681 (cited by Labcorp Genetics (formerly Invitae), Labcorp); PubMed 9536098 (cited by Labcorp Genetics (formerly Invitae), Labcorp); PubMed 8923000 (cited by Labcorp Genetics (formerly Invitae), Labcorp and OMIM).

NM_000093.5(COL5A1):c.5370+3_5370+6del

Genes: COL5A1 (collagen type V alpha 1 chain; plus strand), LOC101448202 (uncharacterized LOC101448202; minus strand). Cytogenetic location: 9q34.3.
Variant type: Deletion.
Coding change: c.5370+3_5370+6del on transcript NM_000093.5 (MANE Select); bases 3 to 6 of the intron after coding-DNA position 5370, 4 bases deleted (GAGT; older notation c.5370+3_5370+6delGAGT).
Molecular consequence: splice donor variant.
Genome position (GRCh38, 1-based): chr9:134,835,207-134,835,210, GAGT deleted; deleting any 4 consecutive bases within chr9:134,835,205-134,835,210 gives the same sequence; the c. name uses the placement nearest the transcript's 3' end. VCF-style (leftmost placement, unchanged base first): chr9-134835204-TGTGA-T. GRCh37 (hg19) VCF-style: chr9-137727050-TGTGA-T.
Other names: c.5370+3_5370+6del (NM_001278074.1); c.5370+3_5370+6delGAGT (NM_000093.3).
Identifiers: ClinVar variation 17184 (VCV000017184.8), dbSNP rs786200923, ClinGen allele CA281064.